The following is an entry in ClinVar:

ClinVar aggregate classification (germline): Uncertain significance (1 of 4 stars; one submission).

Conditions:
Cardiovascular phenotype. Identifiers: MedGen CN230736.

Allele frequency attached by ClinVar (database versions not stated): gnomAD exomes below 0.00001.
gnomAD v4.1: 5 of 1,549,386 alleles (0.00032%); highest among the groups gnomAD compares: Non-Finnish European, 0.00044%; no homozygotes.

Submission:

Ambry Genetics
Classification: Uncertain significance for Cardiovascular phenotype. Last evaluated: 2022-09-02. Review status: criteria provided, single submitter. Criteria: Ambry Variant Classification Scheme 2023. Collection method: clinical testing. Allele origin: germline.
Comment: The p.S3223N variant (also known as c.9668G>A), located in coding exon 2 of the ZNF469 gene, results from a G to A substitution at nucleotide position 9668. The serine at codon 3223 is replaced by asparagine, an amino acid with highly similar properties. This amino acid position is conserved. In addition, this alteration is predicted to be tolerated by in silico analysis. Since supporting evidence is limited at this time, the clinical significance of this alteration remains unclear.

NM_001367624.2(ZNF469):c.9752G>A (p.Ser3251Asn)

Gene: ZNF469 (zinc finger protein 469; plus strand). Cytogenetic location: 16q24.2.
Variant type: single nucleotide variant.
Coding change: c.9752G>A on transcript NM_001367624.2 (MANE Select); coding-DNA position 9752, G replaced by A.
Protein change: p.Ser3251Asn; replaces serine 3251 with asparagine.
Molecular consequence: missense variant.
Genome position (GRCh38, 1-based): chr16:88,437,222, G>A. VCF-style: chr16-88437222-G-A. GRCh37 (hg19) VCF-style: chr16-88503630-G-A.
Other names: NM_001127464.1:c.9668G>A; short protein forms S3251N.
Identifiers: ClinVar variation 1767712 (VCV001767712.2), dbSNP rs1324884803, ClinGen allele CA397124634.